The following is an entry in ClinVar:

NM_001130009.3(GEN1):c.1090dup (p.Met364fs)

Gene: GEN1 (GEN1 structure-specific endonuclease; plus strand). Cytogenetic location: 2p24.2.
Variant type: Duplication.
Coding change: c.1090dup on transcript NM_001130009.3 (MANE Select); coding-DNA position 1090, one base duplicated (A; older notation c.1090dupA).
Protein change: p.Met364fs; shifts the reading frame from methionine 364.
Molecular consequence: frameshift variant.
Genome position (GRCh38, 1-based): chr2:17,774,289, A duplicated; the last of 6 consecutive A bases (chr2:17,774,284-17,774,289); duplicating any one gives the same sequence. VCF-style (leftmost placement, unchanged base first): chr2-17774283-G-GA. GRCh37 (hg19) VCF-style: chr2-17955550-G-GA.
Other names: c.1090dup, p.Met364fs (NM_182625.5); short protein forms M364fs.
Identifiers: ClinVar variation 2184313 (VCV002184313.4), dbSNP rs2545594466, ClinGen allele CA2580063677.

ClinVar aggregate classification (germline): Uncertain significance (1 of 4 stars; one submission).

Submission:

Labcorp Genetics (formerly Invitae), Labcorp
Classification: Uncertain significance. Last evaluated: 2021-12-29. Review status: criteria provided, single submitter. Criteria: Invitae Variant Classification Sherloc (09022015). Collection method: clinical testing. Allele origin: germline.
Comment: In summary, the available evidence is currently insufficient to determine the role of this variant in disease. Therefore, it has been classified as a Variant of Uncertain Significance. Experimental studies and prediction algorithms are not available or were not evaluated, and the functional significance of this variant is currently unknown. This variant has not been reported in the literature in individuals affected with GEN1-related conditions. This variant is not present in population databases (gnomAD no frequency). This sequence change creates a premature translational stop signal (p.Met364Asnfs*10) in the GEN1 gene. It is expected to result in an absent or disrupted protein product. However, the current clinical and genetic evidence is not sufficient to establish whether loss-of-function variants in GEN1 cause disease.